The following is an entry in ClinVar:

NM_001267550.2(TTN):c.11311+5303_11312-5596del

Genes: TTN (titin; minus strand), LOC126806432 (CDK7 strongly-dependent group 2 enhancer GRCh37_chr2:179611985-179613184; plus strand). Cytogenetic location: 2q31.2.
Variant type: Deletion.
Coding change: c.11311+5303_11312-5596del on transcript NM_001267550.2 (MANE Select); 5303 bases into the intron after coding-DNA position 11311 through 5596 bases into the intron before coding-DNA position 11312, 305 bases deleted.
Molecular consequence: intron variant. On other transcripts: frameshift variant (1).
Genome position (GRCh38, 1-based): chr2:178,747,517-178,747,821, 305 bases deleted. GRCh37 (hg19): chr2:179,612,245-179,612,549.
Other names: c.14579_14883del, p.Tyr4860fs (NM_133379.5); c.10222+5303_10223-5596del (NM_003319.4); c.10798+5303_10799-5596del (NM_133437.4); c.10597+5303_10598-5596del (NM_133432.3); c.10360+5303_10360+5607del (NM_133378.4); c.10360+5303_10361-5596del (NM_001256850.1); short protein forms Y4860fs.
Identifiers: ClinVar variation 4281072 (VCV004281072.7).

ClinVar aggregate classification (germline): Uncertain significance (1 of 4 stars; one submission).

Submission:

CeGaT Center for Human Genetics Tuebingen
Classification: Uncertain significance. Last evaluated: 2025-09-01. Review status: criteria provided, single submitter. Criteria: CeGaT Center For Human Genetics Tuebingen Variant Classification Criteria Version 2. Collection method: clinical testing. Allele origin: germline. Affected: yes. Observed: 1 variant allele.
Comment: TTN: PM2